The following is an entry in ClinVar:

NM_007294.4(BRCA1):c.1255G>A (p.Val419Ile)

Gene: BRCA1 (BRCA1 DNA repair associated; minus strand). Cytogenetic location: 17q21.31.
Variant type: single nucleotide variant.
Coding change: c.1255G>A on transcript NM_007294.4 (MANE Select); coding-DNA position 1255, G replaced by A.
Protein change: p.Val419Ile; replaces valine 419 with isoleucine.
Molecular consequence: missense variant. On other transcripts: intron variant (137).
Genome position (GRCh38, 1-based): chr17:43,094,276, C>T on the plus strand (G>A on the coding strand, the complement: BRCA1 is on the minus strand). VCF-style: chr17-43094276-C-T. GRCh37 (hg19) VCF-style: chr17-41246293-C-T.
Other names: c.1132G>A, p.Val378Ile (NM_001407668.1, NM_001407669.1, NM_001407674.1 and 19 more transcripts); c.1129G>A, p.Val377Ile (NM_001407670.1, NM_001407671.1, NM_001407672.1 and 11 more transcripts); c.1255G>A, p.Val419Ile (NM_001407684.1, NM_001407854.1, NM_001407858.1 and 30 more transcripts); c.1114G>A, p.Val372Ile (NM_001407692.1, NM_001407694.1, NM_001407695.1 and 29 more transcripts); c.1111G>A, p.Val371Ile (NM_001407740.1, NM_001407741.1, NM_001407742.1 and 20 more transcripts); c.1042G>A, p.Val348Ile (NM_001407853.1, NM_001407894.1, NM_001407895.1 and 9 more transcripts); c.1252G>A, p.Val418Ile (NM_001407860.1, NM_001407861.1, NM_001407587.1 and 22 more transcripts); c.1054G>A, p.Val352Ile (NM_001407862.1); and 40 more; short protein forms V419I, V372I, V251I, V352I, V418I, V291I, V292I, V308I.
Identifiers: ClinVar variation 482949 (VCV000482949.22), dbSNP rs876658873, ClinGen allele CA10599543.

ClinVar aggregate classification (germline): Conflicting classifications of pathogenicity. Review status: criteria provided, conflicting classifications (1 of 4 stars). 5 submissions from 5 submitters: Uncertain significance (4); Likely benign (1). Last evaluated 2025-05-06.

Conditions:
Hereditary cancer-predisposing syndrome. Also called: Neoplastic Syndromes, Hereditary; Tumor predisposition; Hereditary Cancer Syndrome; Hereditary neoplastic syndrome. Identifiers: Orphanet 140162, MedGen C0027672, MeSH D009386, MONDO:0015356.
Hereditary breast ovarian cancer syndrome. Also called: Hereditary breast and ovarian cancer syndrome; Hereditary breast and ovarian cancer; Hereditary breast and ovarian cancer syndrome (HBOC); Breast and ovarian cancer; Hereditary breast and/or ovarian cancer syndrome; BRCA1- and BRCA2-Associated Hereditary Breast and Ovarian Cancer. Identifiers: Orphanet 145, MedGen C0677776, MeSH D061325, MONDO:0003582. Disease mechanism: loss of function.

Submissions (5):

Quest Diagnostics Nichols Institute San Juan Capistrano
Classification: Uncertain significance. Last evaluated: 2025-05-06. Review status: criteria provided, single submitter. Criteria: Quest Diagnostics criteria. Collection method: clinical testing. Allele origin: unknown.
Comment: The BRCA1 c.1255G>A (p.Val419Ile) variant has been reported in the published literature in individuals with breast and/or ovarian cancer (PMID: 28364669 (2017), 33471991 (2021), see also LOVD), in a reportedly unaffected individual (PMID: 33471991 (2021), see also LOVD), and described to be located in a region of the BRCA1 gene that is tolerant to missense sequence changes (PMID: 31911673 (2020)). This variant has not been reported in large, multi-ethnic general populations (Genome Aggregation Database). Analysis of this variant using bioinformatics tools for the prediction of the effect of amino acid changes on protein structure and function yielded conflicting predictions that this variant is benign or damaging. Based on the available information, we are unable to determine the clinical significance of this variant.

Ambry Genetics
Classification: Uncertain significance for Hereditary cancer-predisposing syndrome. Last evaluated: 2023-09-05. Review status: criteria provided, single submitter. Criteria: Ambry Variant Classification Scheme 2023. Collection method: clinical testing. Allele origin: germline.
Comment: The p.V419I variant (also known as c.1255G>A), located in coding exon 9 of the BRCA1 gene, results from a G to A substitution at nucleotide position 1255. The valine at codon 419 is replaced by isoleucine, an amino acid with highly similar properties. This variant was reported in a study of 1223 breast cancer patients and 174 ovarian cancer patients (Ryu JM et al. Breast. 2017 Jun;33:109-116). This amino acid position is poorly conserved in available vertebrate species. In addition, the in silico prediction for this alteration is inconclusive. Since supporting evidence is limited at this time, the clinical significance of this alteration remains unclear.

Labcorp Genetics (formerly Invitae), Labcorp
Classification: Uncertain significance for Hereditary breast ovarian cancer syndrome. Last evaluated: 2023-06-15. Review status: criteria provided, single submitter. Criteria: Invitae Variant Classification Sherloc (09022015). Collection method: clinical testing. Allele origin: germline.
Comment: This sequence change replaces valine, which is neutral and non-polar, with isoleucine, which is neutral and non-polar, at codon 419 of the BRCA1 protein (p.Val419Ile). This variant is not present in population databases (gnomAD no frequency). This missense change has been observed in individual(s) with breast and/or ovarian cancer (PMID: 28364669). In summary, the available evidence is currently insufficient to determine the role of this variant in disease. Therefore, it has been classified as a Variant of Uncertain Significance. Advanced modeling of protein sequence and biophysical properties (such as structural, functional, and spatial information, amino acid conservation, physicochemical variation, residue mobility, and thermodynamic stability) performed at Invitae indicates that this missense variant is not expected to disrupt BRCA1 protein function. ClinVar contains an entry for this variant (Variation ID: 482949).

University of Washington Department of Laboratory Medicine, University of Washington
Classification: Likely benign for Hereditary cancer-predisposing syndrome. Last evaluated: 2023-03-23. Review status: criteria provided, single submitter. Criteria: Dines et al. (Genet Med. 2020). Collection method: curation. Allele origin: germline.
Comment: Missense variant in a coldspot region where missense variants are very unlikely to be pathogenic (PMID:31911673).

BRCA1 coldspot (exon 11 using historical exon numbering). Reclassification based on statistical prior probability

Color Diagnostics, LLC DBA Color Health
Classification: Uncertain significance for Hereditary cancer-predisposing syndrome. Last evaluated: 2019-05-16. Review status: criteria provided, single submitter. Criteria: ACMG Guidelines, 2015. Collection method: clinical testing. Allele origin: germline.

Literature cited by the submitters: PubMed 33471991 (cited by Quest Diagnostics Nichols Institute San Juan Capistrano); PubMed 31911673 (cited by Quest Diagnostics Nichols Institute San Juan Capistrano); PubMed 28364669 (cited by 3 submitters).